The following is an entry in ClinVar:

ClinVar aggregate classification (germline): Uncertain significance. Review status: criteria provided, multiple submitters, no conflicts (2 of 4 stars). 2 submissions from 2 submitters: Uncertain significance (2). Last evaluated 2023-10-28.

Conditions:
Charcot-Marie-Tooth disease axonal type 2O. Also called: Charcot-Marie-Tooth Neuropathy Type 2O; Charcot-Marie-Tooth disease, axonal, type 20; CHARCOT-MARIE-TOOTH NEUROPATHY, AXONAL, TYPE 2O; CHARCOT-MARIE-TOOTH DISEASE, AXONAL, AUTOSOMAL DOMINANT, TYPE 2O. Identifiers: Orphanet 284232, MedGen C3280220, MONDO:0013644, OMIM 614228.

Allele frequency attached by ClinVar (database versions not stated): gnomAD exomes below 0.00001; TOPMed 0.00002.
gnomAD v4.1: 2 of 1,614,184 alleles (0.00012%); highest among the groups gnomAD compares: Non-Finnish European, 0.00017%; no homozygotes.

Submissions (2):

Labcorp Genetics (formerly Invitae), Labcorp
Classification: Uncertain significance for Charcot-Marie-Tooth disease axonal type 2O. Last evaluated: 2023-10-28. Review status: criteria provided, single submitter. Criteria: Invitae Variant Classification Sherloc (09022015). Collection method: clinical testing. Allele origin: germline.
Comment: This sequence change replaces arginine, which is basic and polar, with glycine, which is neutral and non-polar, at codon 173 of the DYNC1H1 protein (p.Arg173Gly). This variant is not present in population databases (gnomAD no frequency). This variant has not been reported in the literature in individuals affected with DYNC1H1-related conditions. ClinVar contains an entry for this variant (Variation ID: 1335844). An algorithm developed to predict the effect of missense changes on protein structure and function (PolyPhen-2) suggests that this variant is likely to be tolerated. In summary, the available evidence is currently insufficient to determine the role of this variant in disease. Therefore, it has been classified as a Variant of Uncertain Significance.

GeneDx
Classification: Uncertain significance. Last evaluated: 2022-01-07. Review status: criteria provided, single submitter. Criteria: GeneDx Variant Classification Process June 2021. Collection method: clinical testing. Allele origin: germline. Affected: yes.
Comment: Not observed at significant frequency in large population cohorts (gnomAD); In silico analysis supports that this missense variant has a deleterious effect on protein structure/function; Has not been previously published as pathogenic or benign to our knowledge; This variant is associated with the following publications: (PMID: 26100331, 25609763, 25512093)

NM_001376.5(DYNC1H1):c.517A>G (p.Arg173Gly)

Gene: DYNC1H1 (dynein cytoplasmic 1 heavy chain 1; plus strand). Cytogenetic location: 14q32.31.
Variant type: single nucleotide variant.
Coding change: c.517A>G on transcript NM_001376.5 (MANE Select); coding-DNA position 517, A replaced by G.
Protein change: p.Arg173Gly; replaces arginine 173 with glycine.
Molecular consequence: missense variant.
Genome position (GRCh38, 1-based): chr14:101,979,491, A>G. VCF-style: chr14-101979491-A-G. GRCh37 (hg19) VCF-style: chr14-102445828-A-G.
Other names: short protein forms R173G.
Identifiers: ClinVar variation 1335844 (VCV001335844.5), dbSNP rs1465527547, ClinGen allele CA391007966.